The following is an entry in ClinVar:

ClinVar aggregate classification (germline): Likely pathogenic (1 of 4 stars; one submission).

Conditions:
Hypophosphatasia. Also called: Phosphoethanol-aminuria. Identifiers: Orphanet 436, MedGen C0020630, MeSH D007014, MONDO:0018570.

Submission:

Genomenon, Inc
Classification: Likely pathogenic for Hypophosphatasia. Last evaluated: 2025-08-29. Review status: criteria provided, single submitter. Criteria: Genomenon Sequence Variant Interpretation Standards. Collection method: curation. Allele origin: germline. Affected: yes.
Comment: ALPL Glu429Asp (c.1287G>T) is a missense variant that changes the amino acid at residue 429 from Glutamic acid to Aspartic acid. This variant has been observed in at least one proband affected with hypophosphatasia (PMID:33827627). It is absent or not present at a significant frequency in gnomAD. In silico models agree that this variant is possibly or probably damaging. The presence of pathogenic missense variant(s) at the same amino acid position indicates that this residue is likely important for protein function. In conclusion, we classify ALPL p.Glu429Asp (c.1287G>T) as a likely pathogenic variant.

Literature cited by the submitters: PubMed 33827627.

NM_000478.6(ALPL):c.1287G>T (p.Glu429Asp)

Gene: ALPL (alkaline phosphatase, biomineralization associated; plus strand). Cytogenetic location: 1p36.12.
Variant type: single nucleotide variant.
Coding change: c.1287G>T on transcript NM_000478.6 (MANE Select); coding-DNA position 1287, G replaced by T.
Protein change: p.Glu429Asp; replaces glutamic acid 429 with aspartic acid.
Molecular consequence: missense variant.
Genome position (GRCh38, 1-based): chr1:21,576,619, G>T. VCF-style: chr1-21576619-G-T. GRCh37 (hg19) VCF-style: chr1-21903112-G-T.
Other names: c.1122G>T, p.Glu374Asp (NM_001127501.4); c.1056G>T, p.Glu352Asp (NM_001177520.3); c.1287G>T, p.Glu429Asp (NM_001369803.2, NM_001369804.2, NM_001369805.2); short protein forms E352D, E374D, E429D.
Identifiers: ClinVar variation 4086888 (VCV004086888.1).
Genomic context (GRCh38, chr1:21,576,619, plus strand): 5'-CTTCACTGCCATCCTGTATGGCAATGGGCCTGGCTACAAGGTGGTGGGCGGTGAACGAGA[G>T]AATGTCTCCATGGTGGACTATGGTGAGACCTCCAGGACCCAGGGCTGGGAGGGGACAGGG-3'
Protein context (NP_000469.3, residues 419-439): PGYKVVGGER[Glu429Asp]NVSMVDYAHN